The following is an entry in ClinVar:

ClinVar aggregate classification (germline): Pathogenic (1 of 4 stars; one submission).

Submission:

Quest Diagnostics Nichols Institute San Juan Capistrano
Classification: Pathogenic. Last evaluated: 2025-01-31. Review status: criteria provided, single submitter. Criteria: ACMG/ClinGen CNV Guidelines, 2019. Collection method: clinical testing. Allele origin: unknown.
Comment: This 15q24.1q24.2 loss involves at least 40 protein-coding genes and is consistent with the 15q24 recurrent region (LCR A-LCR C) deletion (ISCA-46296) (Liu 2020, Magoulas 2012, Mefford 2012, Chen 2020). Almost all reported cases have occurred de novo. There are no similar copy number losses of this region in the general populations of the Database of Genomic Variants. Thus, this copy number variant (CNV) is classified as pathogenic. References: Chen et al., Taiwan J Obstet Gynecol. 2020 May;59(3):432-436. PMID: 32416893 Liu et al., Am J Med Genet B Neuropsychiatr Genet. 2020 Jun;183(4):217-226. PMID: 31953991 Magoulas et al., Orphanet J Rare Dis. 2012 Jan 4:7:2. PMID: 22216833 Mefford et al., GeneReviews [2012 Feb 23]. PMID: 22359776

GRCh37/hg19 15q24.1-24.2(chr15:72943184-75567198)x1

Genes: CYP1A2 (cytochrome P450 family 1 subfamily A member 2; plus strand), REC114 (REC114 meiotic recombination protein; plus strand), RPP25 (ribonuclease P/MRP subunit p25; minus strand), SCAMP2 (secretory carrier membrane protein 2; minus strand), UBL7 (ubiquitin like 7; minus strand) and 34 more. Cytogenetic location: 15q24.1-24.2.
Variant type: copy number loss.
Change: copy number 1 (one copy instead of two) of chr15:72,943,184-75,567,198 (2.62 Mb, GRCh37 coordinates, 1-based), cytogenetic band 15q24.1-24.2.
Identifiers: ClinVar variation 815734 (VCV000815734.3).